The following is an entry in ClinVar:

NM_004082.5(DCTN1):c.1848T>G (p.Ile616Met)

Gene: DCTN1 (dynactin subunit 1; minus strand). Cytogenetic location: 2p13.1.
Variant type: single nucleotide variant.
Coding change: c.1848T>G on transcript NM_004082.5 (MANE Select); coding-DNA position 1848, T replaced by G.
Protein change: p.Ile616Met; replaces isoleucine 616 with methionine.
Molecular consequence: missense variant. On other transcripts: non-coding transcript variant (1).
Genome position (GRCh38, 1-based): chr2:74,368,734, A>C on the plus strand (T>G on the coding strand, the complement: DCTN1 is on the minus strand). VCF-style: chr2-74368734-A-C. GRCh37 (hg19) VCF-style: chr2-74595861-A-C.
Other names: c.1788T>G, p.Ile596Met (NM_001135040.3); c.1446T>G, p.Ile482Met (NM_001135041.3, NM_023019.4); c.1737T>G, p.Ile579Met (NM_001190836.2); c.1827T>G, p.Ile609Met (NM_001190837.2); c.1797T>G, p.Ile599Met (NM_001378991.1); c.1779T>G, p.Ile593Met (NM_001378992.1); short protein forms I599M, I609M, I616M, I482M, I579M, I596M, I593M.
Identifiers: ClinVar variation 4788333 (VCV004788333.1).

ClinVar aggregate classification (germline): Uncertain significance (1 of 4 stars; one submission).

Conditions:
Amyotrophic lateral sclerosis type 1 (ALS1). Also called: AMYOTROPHIC LATERAL SCLEROSIS 1, FAMILIAL. Identifiers: Orphanet 803, MedGen C1862939, MONDO:0007103, OMIM 105400.
Neuronopathy, distal hereditary motor, type 7B. Also called: HMN VIIB; LOWER MOTOR NEURON DISEASE, DYNACTIN TYPE; NEURONOPATHY, DISTAL HEREDITARY MOTOR, AUTOSOMAL DOMINANT 14; NEURONOPATHY, DISTAL HEREDITARY MOTOR, HARDING TYPE VIIB; NEUROPATHY, DISTAL HEREDITARY MOTOR, HARDING TYPE VIIB; NEUROPATHY, DISTAL HEREDITARY MOTOR, WITH VOCAL CORD PARALYSIS, HARDING TYPE VIIB. Identifiers: Orphanet 139589, MedGen C1843315, MONDO:0011879, OMIM 607641.
Perry syndrome. Also called: PARKINSONISM WITH ALVEOLAR HYPOVENTILATION AND MENTAL DEPRESSION. Identifiers: Orphanet 178509, MedGen C1868594, MONDO:0008201, OMIM 168605.

gnomAD v4.1: 4 of 1,614,250 alleles (0.00025%); highest among the groups gnomAD compares: East Asian, 0.0067%; no homozygotes.

Submission:

Labcorp Genetics (formerly Invitae), Labcorp
Classification: Uncertain significance for Amyotrophic lateral sclerosis type 1; Neuronopathy, distal hereditary motor, type 7B; Perry syndrome. Last evaluated: 2025-11-17. Review status: criteria provided, single submitter. Criteria: Invitae Variant Classification Sherloc (09022015). Collection method: clinical testing. Allele origin: germline.
Comment: This sequence change replaces isoleucine, which is neutral and non-polar, with methionine, which is neutral and non-polar, at codon 616 of the DCTN1 protein (p.Ile616Met). This variant is present in population databases (rs199812721, gnomAD 0.02%). This variant has not been reported in the literature in individuals affected with DCTN1-related conditions. Invitae Evidence Modeling of protein sequence and biophysical properties (such as structural, functional, and spatial information, amino acid conservation, physicochemical variation, residue mobility, and thermodynamic stability) indicates that this missense variant is not expected to disrupt DCTN1 protein function with a negative predictive value of 95%. In summary, the available evidence is currently insufficient to determine the role of this variant in disease. Therefore, it has been classified as a Variant of Uncertain Significance.